The following is an entry in ClinVar:

ClinVar aggregate classification (germline): Uncertain significance (1 of 4 stars; one submission).

Conditions:
Combined immunodeficiency due to ORAI1 deficiency. Also called: IMMUNODEFICIENCY 9. Identifiers: Orphanet 169090, Orphanet 317428, MedGen C2748568, MONDO:0013007, OMIM 612782.
Myopathy, tubular aggregate, 2 (TAM2). Identifiers: MedGen C4014557, MONDO:0014383, OMIM 615883.

Submission:

Labcorp Genetics (formerly Invitae), Labcorp
Classification: Uncertain significance for Myopathy, tubular aggregate, 2; Combined immunodeficiency due to ORAI1 deficiency. Last evaluated: 2025-11-01. Review status: criteria provided, single submitter. Criteria: Invitae Variant Classification Sherloc (09022015). Collection method: clinical testing. Allele origin: germline.
Comment: This sequence change replaces alanine, which is neutral and non-polar, with threonine, which is neutral and polar, at codon 6 of the ORAI1 protein (p.Ala6Thr). The frequency data for this variant in the population databases is considered unreliable, as metrics indicate insufficient coverage at this position in the gnomAD database. This variant has not been reported in the literature in individuals affected with ORAI1-related conditions. Experimental studies and prediction algorithms are not available or were not evaluated, and the functional significance of this variant is currently unknown. In summary, the available evidence is currently insufficient to determine the role of this variant in disease. Therefore, it has been classified as a Variant of Uncertain Significance.

NC_000012.12:g.121626758G>A

Genes: ORAI1 (ORAI calcium release-activated calcium modulator 1; plus strand), LOC130008987 (ATAC-STARR-seq lymphoblastoid silent region 4981; plus strand). Cytogenetic location: 12q24.31.
Variant type: single nucleotide variant.
Molecular consequence: non-coding transcript variant (on NR_186857.1).
Genome position: GRCh38 VCF-style: chr12-121626758-G-A. GRCh37 (hg19) VCF-style: chr12-122064663-G-A.
Identifiers: ClinVar variation 4792420 (VCV004792420.1).